The following is an entry in ClinVar:

NM_001278116.2(L1CAM):c.2117C>T (p.Thr706Ile)

Gene: L1CAM (L1 cell adhesion molecule; minus strand). Cytogenetic location: Xq28.
Variant type: single nucleotide variant.
Coding change: c.2117C>T on transcript NM_001278116.2 (MANE Select); coding-DNA position 2117, C replaced by T.
Protein change: p.Thr706Ile; replaces threonine 706 with isoleucine.
Molecular consequence: missense variant.
Genome position (GRCh38, 1-based): chrX:153,867,376, G>A on the plus strand (C>T on the coding strand, the complement: L1CAM is on the minus strand). VCF-style: chrX-153867376-G-A. GRCh37 (hg19) VCF-style: chrX-153132831-G-A.
Other names: c.2117C>T, p.Thr706Ile (NM_000425.5, NM_024003.3); c.2102C>T, p.Thr701Ile (NM_001143963.2); short protein forms T701I, T706I.
Identifiers: ClinVar variation 2873248 (VCV002873248.3), dbSNP rs2520990654, ClinGen allele CA415121476.
Genomic context (GRCh38, chrX:153,867,376, plus strand): 5'-CCTTCCAGGTGGCATGGGAGTGGGTGCCACCCTGACTCACCTGCCTCAGGTGTGACCACA[G>A]TCTCAGAGACCGGGCTGGGCTCCCCGGGGCCATATTTGTTTATGGCAGTAACCCTAAAGG-3'
Protein context (NP_001265045.1, residues 696-716): GPGEPSPVSE[Thr706Ile]VVTPEAAPEK

ClinVar aggregate classification (germline): Uncertain significance (1 of 4 stars; one submission).

Conditions:
Spastic paraplegia. Identifiers: MedGen C0037772, HP:0001258.

Submission:

Labcorp Genetics (formerly Invitae), Labcorp
Classification: Uncertain significance for Spastic paraplegia. Last evaluated: 2025-06-12. Review status: criteria provided, single submitter. Criteria: Invitae Variant Classification Sherloc (09022015). Collection method: clinical testing. Allele origin: germline.
Comment: This sequence change replaces threonine, which is neutral and polar, with isoleucine, which is neutral and non-polar, at codon 706 of the L1CAM protein (p.Thr706Ile). This variant is not present in population databases (gnomAD no frequency). This variant has not been reported in the literature in individuals affected with L1CAM-related conditions. ClinVar contains an entry for this variant (Variation ID: 2873248). Invitae Evidence Modeling of protein sequence and biophysical properties (such as structural, functional, and spatial information, amino acid conservation, physicochemical variation, residue mobility, and thermodynamic stability) indicates that this missense variant is not expected to disrupt L1CAM protein function with a negative predictive value of 95%. In summary, the available evidence is currently insufficient to determine the role of this variant in disease. Therefore, it has been classified as a Variant of Uncertain Significance.